The following is an entry in ClinVar:

NM_001367624.2(ZNF469):c.6791C>T (p.Ser2264Phe)

Gene: ZNF469 (zinc finger protein 469; plus strand). Cytogenetic location: 16q24.2.
Variant type: single nucleotide variant.
Coding change: c.6791C>T on transcript NM_001367624.2 (MANE Select); coding-DNA position 6791, C replaced by T.
Protein change: p.Ser2264Phe; replaces serine 2264 with phenylalanine.
Molecular consequence: missense variant.
Genome position (GRCh38, 1-based): chr16:88,434,261, C>T. VCF-style: chr16-88434261-C-T. GRCh37 (hg19) VCF-style: chr16-88500669-C-T.
Other names: NM_001127464.1:c.6707C>T; short protein forms S2264F.
Identifiers: ClinVar variation 5032228 (VCV005032228.1).

ClinVar aggregate classification (germline): Uncertain significance (1 of 4 stars; one submission).

Conditions:
Cardiovascular phenotype. Identifiers: MedGen CN230736.

Submission:

Ambry Genetics
Classification: Uncertain significance for Cardiovascular phenotype. Last evaluated: 2026-07-21. Review status: criteria provided, single submitter. Criteria: Ambry Variant Classification Scheme 2023. Collection method: clinical testing. Allele origin: germline.
Comment: The p.S2236F variant (also known as c.6707C>T), located in coding exon 2 of the ZNF469 gene, results from a C to T substitution at nucleotide position 6707. The serine at codon 2236 is replaced by phenylalanine, an amino acid with highly dissimilar properties. This amino acid position is conserved. In addition, this alteration is predicted to be tolerated by in silico analysis. Based on the available evidence, the clinical significance of this variant remains unclear.